The following is an entry in ClinVar:

NM_002230.4(JUP):c.22G>C (p.Glu8Gln)

Gene: JUP (junction plakoglobin; minus strand). Cytogenetic location: 17q21.2.
Variant type: single nucleotide variant.
Coding change: c.22G>C on transcript NM_002230.4 (MANE Select); coding-DNA position 22, G replaced by C.
Protein change: p.Glu8Gln; replaces glutamic acid 8 with glutamine.
Molecular consequence: missense variant.
Genome position (GRCh38, 1-based): chr17:41,771,833, C>G on the plus strand (G>C on the coding strand, the complement: JUP is on the minus strand). VCF-style: chr17-41771833-C-G. GRCh37 (hg19) VCF-style: chr17-39928085-C-G.
Other names: c.22G>C, p.Glu8Gln (NM_001352773.2, NM_001352774.2, NM_001352775.2 and 3 more transcripts); short protein forms E8Q.
Identifiers: ClinVar variation 3862359 (VCV003862359.1).

ClinVar aggregate classification (germline): Uncertain significance (1 of 4 stars; one submission).

Conditions:
Cardiovascular phenotype. Identifiers: MedGen CN230736.

Submission:

Ambry Genetics
Classification: Uncertain significance for Cardiovascular phenotype. Last evaluated: 2025-01-21. Review status: criteria provided, single submitter. Criteria: Ambry Variant Classification Scheme 2023. Collection method: clinical testing. Allele origin: germline.
Comment: The p.E8Q variant (also known as c.22G>C), located in coding exon 1 of the JUP gene, results from a G to C substitution at nucleotide position 22. The glutamic acid at codon 8 is replaced by glutamine, an amino acid with highly similar properties. This amino acid position is conserved. In addition, this alteration is predicted to be tolerated by in silico analysis. Based on the available evidence, the clinical significance of this variant remains unclear.